The following is an entry in ClinVar:

ClinVar aggregate classification (germline): Benign. Review status: criteria provided, single submitter (1 of 4 stars). 2 submissions from 2 submitters: Benign (1). 1 of the submissions does not count toward it. Last evaluated 2026-02-01.

Conditions:
DNAH9-related disorder. Also called: DNAH9-related condition.

Allele frequency attached by ClinVar (database versions not stated): 1000 Genomes Project 30x 0.00016; 1000 Genomes Project 0.00020; ExAC 0.00128; gnomAD exomes 0.00137; ESP Exome Variant Server 0.00215.
gnomAD v4.1: 3,534 of 1,614,166 alleles (0.22%); highest among the groups gnomAD compares: Non-Finnish European, 0.26%; 13 homozygotes.

Submissions (2):

Labcorp Genetics (formerly Invitae), Labcorp
Classification: Benign. Last evaluated: 2026-02-01. Review status: criteria provided, single submitter. Criteria: Invitae Variant Classification Sherloc (09022015). Collection method: clinical testing. Allele origin: germline.

PreventionGenetics, part of Exact Sciences
Classification: Likely benign for DNAH9-related condition. Last evaluated: 2022-02-22. Review status: no assertion criteria provided. Collection method: clinical testing. Allele origin: germline. Not counted in ClinVar's aggregate classification.
Comment: This variant is classified as likely benign based on ACMG/AMP sequence variant interpretation guidelines (Richards et al. 2015 PMID: 25741868, with internal and published modifications).

NM_001372.4(DNAH9):c.10912A>G (p.Thr3638Ala)

Genes: DNAH9 (dynein axonemal heavy chain 9; plus strand), LOC101928350 (uncharacterized LOC101928350; minus strand). Cytogenetic location: 17p12.
Variant type: single nucleotide variant.
Coding change: c.10912A>G on transcript NM_001372.4 (MANE Select); coding-DNA position 10912, A replaced by G.
Protein change: p.Thr3638Ala; replaces threonine 3638 with alanine.
Molecular consequence: missense variant. On other transcripts: 5 prime UTR variant (1).
Genome position (GRCh38, 1-based): chr17:11,883,691, A>G. VCF-style: chr17-11883691-A-G. GRCh37 (hg19) VCF-style: chr17-11787008-A-G.
Other names: c.-153A>G (NM_004662.2); c.10912A>G (NM_001372.3); short protein forms T3638A.
Identifiers: ClinVar variation 1543735 (VCV001543735.10), dbSNP rs149029050, ClinGen allele CA8397671.
Genomic context (GRCh38, chr17:11,883,691, plus strand): 5'-ACGTTGGAAGACAGTCTTCTCTCTCGCCTCTCCTCCGCCTCTGGGAACTTCCTGGGAGAA[A>G]CAGTGCTGGTGGAAAACCTAGAGATCACCAAGCAGACTGCTGCCGAAGTTGAGAAAAAGG-3'
Protein context (NP_001363.2, residues 3628-3648): SSASGNFLGE[Thr3638Ala]VLVENLEITK